The following is an entry in ClinVar:

NM_005154.5(USP8):c.397C>T (p.Arg133Trp)

Gene: USP8 (ubiquitin specific peptidase 8; plus strand). Cytogenetic location: 15q21.2.
Variant type: single nucleotide variant.
Coding change: c.397C>T on transcript NM_005154.5 (MANE Select); coding-DNA position 397, C replaced by T.
Protein change: p.Arg133Trp; replaces arginine 133 with tryptophan.
Molecular consequence: missense variant.
Genome position (GRCh38, 1-based): chr15:50,459,061, C>T. VCF-style: chr15-50459061-C-T. GRCh37 (hg19) VCF-style: chr15-50751258-C-T.
Other names: c.397C>T, p.Arg133Trp (NM_001128610.3); c.166C>T, p.Arg56Trp (NM_001283049.2); short protein forms R133W, R56W.
Identifiers: ClinVar variation 528042 (VCV000528042.6), dbSNP rs202135045, ClinGen allele CA7555448.
Genomic context (GRCh38, chr15:50,459,061, plus strand): 5'-TATGAAGAAGCTGAAGTCCGGAAAAAACTTGAGGAAAAAGACAGGCAGGAGGAAGCACAG[C>T]GGCTACAACAAAAAAGGCAGGAAACAGGAAGAGAGGATGGTGGCACATTGGCTAAAGGCT-3'
Protein context (NP_005145.3, residues 123-143): EEKDRQEEAQ[Arg133Trp]LQQKRQETGR

ClinVar aggregate classification (germline): Uncertain significance. Review status: criteria provided, multiple submitters, no conflicts (2 of 4 stars). 2 submissions from 2 submitters: Uncertain significance (2). Last evaluated 2025-09-17.

Conditions:
Hereditary spastic paraplegia. Also called: Familial spastic paraparesis. Identifiers: Orphanet 685, MedGen C0037773, MONDO:0019064. Disease mechanism: loss of function.

Allele frequency attached by ClinVar (database versions not stated): gnomAD 0.00007; gnomAD exomes 0.00014; ESP Exome Variant Server 0.00015; TOPMed 0.00016; ExAC 0.00017.
gnomAD v4.1: 160 of 1,613,598 alleles (0.0099%); highest among the groups gnomAD compares: Admixed American, 0.03%; no homozygotes.

Submissions (2):

Labcorp Genetics (formerly Invitae), Labcorp
Classification: Uncertain significance for Hereditary spastic paraplegia. Last evaluated: 2025-09-17. Review status: criteria provided, single submitter. Criteria: Invitae Variant Classification Sherloc (09022015). Collection method: clinical testing. Allele origin: germline.
Comment: This sequence change replaces arginine, which is basic and polar, with tryptophan, which is neutral and slightly polar, at codon 133 of the USP8 protein (p.Arg133Trp). This variant is present in population databases (rs202135045, gnomAD 0.04%). This variant has not been reported in the literature in individuals affected with USP8-related conditions. ClinVar contains an entry for this variant (Variation ID: 528042). An algorithm developed to predict the effect of missense changes on protein structure and function (PolyPhen-2) suggests that this variant is likely to be tolerated. In summary, the available evidence is currently insufficient to determine the role of this variant in disease. Therefore, it has been classified as a Variant of Uncertain Significance.

Breakthrough Genomics
Classification: Uncertain significance. Review status: criteria provided, single submitter. Criteria: ACMG Guidelines, 2015. Collection method: not provided. Allele origin: germline. Inheritance: Autosomal recessive inheritance. Affected: yes.